The following is an entry in ClinVar:

NM_003998.4(NFKB1):c.1474G>C (p.Glu492Gln)

Gene: NFKB1 (nuclear factor kappa B subunit 1; plus strand). Cytogenetic location: 4q24.
Variant type: single nucleotide variant.
Coding change: c.1474G>C on transcript NM_003998.4 (MANE Select); coding-DNA position 1474, G replaced by C.
Protein change: p.Glu492Gln; replaces glutamic acid 492 with glutamine.
Molecular consequence: missense variant.
Genome position (GRCh38, 1-based): chr4:102,596,311, G>C. VCF-style: chr4-102596311-G-C. GRCh37 (hg19) VCF-style: chr4-103517468-G-C.
Other names: c.1471G>C, p.Glu491Gln (NM_001165412.2, NM_001319226.2, NM_001382627.1); c.1474G>C, p.Glu492Gln (NM_001382625.1, NM_001382626.1); c.1432G>C, p.Glu478Gln (NM_001382628.1); short protein forms E491Q, E492Q, E478Q.
Identifiers: ClinVar variation 2796660 (VCV002796660.3), dbSNP rs1726609372, ClinGen allele CA357751176.

ClinVar aggregate classification (germline): Uncertain significance (1 of 4 stars; one submission).

Allele frequency attached by ClinVar (database versions not stated): gnomAD exomes below 0.00001.
gnomAD v4.1: 1 of 1,609,982 alleles (0.000062%); highest among the groups gnomAD compares: Non-Finnish European, 0.000085%; no homozygotes.

Submission:

Labcorp Genetics (formerly Invitae), Labcorp
Classification: Uncertain significance. Last evaluated: 2023-02-22. Review status: criteria provided, single submitter. Criteria: Invitae Variant Classification Sherloc (09022015). Collection method: clinical testing. Allele origin: germline.
Comment: This variant has not been reported in the literature in individuals affected with NFKB1-related conditions. In summary, the available evidence is currently insufficient to determine the role of this variant in disease. Therefore, it has been classified as a Variant of Uncertain Significance. Advanced modeling of protein sequence and biophysical properties (such as structural, functional, and spatial information, amino acid conservation, physicochemical variation, residue mobility, and thermodynamic stability) performed at Invitae indicates that this missense variant is not expected to disrupt NFKB1 protein function. This variant is not present in population databases (gnomAD no frequency). This sequence change replaces glutamic acid, which is acidic and polar, with glutamine, which is neutral and polar, at codon 492 of the NFKB1 protein (p.Glu492Gln).